The following is an entry in ClinVar:

NM_000051.4(ATM):c.5990C>T (p.Thr1997Ile)

Genes: ATM (ATM serine/threonine kinase; plus strand), C11orf65 (chromosome 11 open reading frame 65; minus strand). Cytogenetic location: 11q22.3.
Variant type: single nucleotide variant.
Coding change: c.5990C>T on transcript NM_000051.4 (MANE Select); coding-DNA position 5990, C replaced by T.
Protein change: p.Thr1997Ile; replaces threonine 1997 with isoleucine.
Molecular consequence: missense variant. On other transcripts: intron variant (2).
Genome position (GRCh38, 1-based): chr11:108,312,482, C>T. VCF-style: chr11-108312482-C-T. GRCh37 (hg19) VCF-style: chr11-108183209-C-T.
Other names: c.5990C>T, p.Thr1997Ile (NM_001351834.2); c.641-3411G>A (NM_001330368.2); c.*39-3411G>A (NM_001351110.2); short protein forms T1997I.
Identifiers: ClinVar variation 1006125 (VCV001006125.9), dbSNP rs2084253742, ClinGen allele CA382548785.

ClinVar aggregate classification (germline): Uncertain significance (1 of 4 stars; one submission).

Conditions:
Ataxia-telangiectasia syndrome (AT). Also called: Ataxia-telangiectasia, complementation group D; AT, COMPLEMENTATION GROUP C; ATAXIA-TELANGIECTASIA, COMPLEMENTATION GROUP A; ATAXIA-TELANGIECTASIA, FRESNO VARIANT; Ataxia-telangiectasia; Ataxia telangiectasia (A-T). Identifiers: Orphanet 100, MedGen C0004135, MONDO:0008840, OMIM 208900.

Submission:

Labcorp Genetics (formerly Invitae), Labcorp
Classification: Uncertain significance for Ataxia-telangiectasia syndrome. Last evaluated: 2020-04-27. Review status: criteria provided, single submitter. Criteria: Invitae Variant Classification Sherloc (09022015). Collection method: clinical testing. Allele origin: germline.
Comment: This sequence change replaces threonine with isoleucine at codon 1997 of the ATM protein (p.Thr1997Ile). The threonine residue is moderately conserved and there is a moderate physicochemical difference between threonine and isoleucine. This variant is not present in population databases (ExAC no frequency). This variant has not been reported in the literature in individuals with ATM-related conditions. Algorithms developed to predict the effect of missense changes on protein structure and function are either unavailable or do not agree on the potential impact of this missense change (SIFT: "Deleterious"; PolyPhen-2: "Benign"; Align-GVGD: "Class C15"). In summary, the available evidence is currently insufficient to determine the role of this variant in disease. Therefore, it has been classified as a Variant of Uncertain Significance.